The following is an entry in ClinVar:

NM_001614.5(ACTG1):c.429C>T (p.Tyr143=)

Gene: ACTG1 (actin gamma 1; minus strand). Cytogenetic location: 17q25.3.
Variant type: single nucleotide variant.
Coding change: c.429C>T on transcript NM_001614.5 (MANE Select); coding-DNA position 429, C replaced by T.
Protein change: p.Tyr143=; no amino-acid change (tyrosine 143 retained).
Molecular consequence: synonymous variant. On other transcripts: non-coding transcript variant (1).
Genome position (GRCh38, 1-based): chr17:81,511,561, G>A on the plus strand (C>T on the coding strand, the complement: ACTG1 is on the minus strand). VCF-style: chr17-81511561-G-A. GRCh37 (hg19) VCF-style: chr17-79478587-G-A.
Other names: c.429C>T, p.Tyr143= (NM_001199954.3).
Identifiers: ClinVar variation 1678741 (VCV001678741.7), dbSNP rs782719226, ClinGen allele CA8836077.
Genomic context (GRCh38, chr17:81,511,561, plus strand): 5'-CACCGTGTGGGTGACCCCGTCTCCAGAGTCCATGACAATGCCAGTGGTGCGCCCAGAGGC[G>A]TAGAGGGACAGCACGGCCTGGATGGCCACGTACATGGCCGGGGTGTTGAAGGTCTCAAAC-3'
Protein context (NP_001605.1, residues 133-153): YVAIQAVLSL[Tyr143=]ASGRTTGIVM

ClinVar aggregate classification (germline): Likely benign. Review status: criteria provided, multiple submitters, no conflicts (2 of 4 stars). 4 submissions from 4 submitters: Likely benign (4). Last evaluated 2023-11-02.

Conditions:
Inborn genetic diseases. Identifiers: MedGen C0950123, MeSH D030342.
Autosomal dominant nonsyndromic hearing loss 20. Identifiers: Orphanet 90635, MedGen C1858172, MONDO:0011480, OMIM 604717.
Baraitser-winter syndrome 2. Identifiers: Orphanet 2995, MedGen C3281235, MONDO:0013812, OMIM 614583.

Allele frequency attached by ClinVar (database versions not stated): gnomAD 0.00002 and 0.00004; TOPMed 0.00002; gnomAD exomes 0.00005 and 0.00006; ExAC 0.00006.
gnomAD v4.1: 75 of 1,613,766 alleles (0.0046%); highest among the groups gnomAD compares: South Asian, 0.024%; no homozygotes.

Submissions (4):

Ambry Genetics
Classification: Likely benign for Inborn genetic diseases. Last evaluated: 2023-11-02. Review status: criteria provided, single submitter. Criteria: Ambry Variant Classification Scheme 2023. Collection method: clinical testing. Allele origin: germline.

Labcorp Genetics (formerly Invitae), Labcorp
Classification: Likely benign for Baraitser-winter syndrome 2; Autosomal dominant nonsyndromic hearing loss 20. Last evaluated: 2023-05-19. Review status: criteria provided, single submitter. Criteria: Invitae Variant Classification Sherloc (09022015). Collection method: clinical testing. Allele origin: germline.

Blueprint Genetics
Classification: Likely benign. Last evaluated: 2023-03-13. Review status: criteria provided, single submitter. Criteria: ACMG Guidelines, 2015. Collection method: clinical testing. Allele origin: germline.

GeneDx
Classification: Likely benign. Last evaluated: 2020-01-27. Review status: criteria provided, single submitter. Criteria: GeneDx Variant Classification Process June 2021. Collection method: clinical testing. Allele origin: germline. Affected: yes.
Comment: See Variant Classification Assertion Criteria.